The following is an entry in ClinVar:

NM_001267550.2(TTN):c.75448C>T (p.Gln25150Ter)

Genes: TTN-AS1 (TTN antisense RNA 1; plus strand), TTN (titin; minus strand). Cytogenetic location: 2q31.2.
Variant type: single nucleotide variant.
Coding change: c.75448C>T on transcript NM_001267550.2 (MANE Select); coding-DNA position 75448, C replaced by T.
Protein change: p.Gln25150Ter; replaces glutamine 25150 with a stop codon.
Molecular consequence: nonsense.
Genome position (GRCh38, 1-based): chr2:178,570,684, G>A on the plus strand (C>T on the coding strand, the complement: TTN is on the minus strand). VCF-style: chr2-178570684-G-A. GRCh37 (hg19) VCF-style: chr2-179435411-G-A.
Other names: c.70525C>T, p.Gln23509Ter (NM_001256850.1); c.48253C>T, p.Gln16085Ter (NM_003319.4); c.67744C>T, p.Gln22582Ter (NM_133378.4); c.48628C>T, p.Gln16210Ter (NM_133432.3); c.48829C>T, p.Gln16277Ter (NM_133437.4); short protein forms Q16085*, Q23509*, Q25150*, Q16210*, Q16277*, Q22582*.
Identifiers: ClinVar variation 2119677 (VCV002119677.4), dbSNP rs1421628949, ClinGen allele CA349625249.

ClinVar aggregate classification (germline): Likely pathogenic (1 of 4 stars; one submission).

Conditions:
Autosomal recessive limb-girdle muscular dystrophy type 2J (LGMDR10). Also called: Limb-girdle muscular dystrophy, type 2J; MUSCULAR DYSTROPHY, LIMB-GIRDLE, AUTOSOMAL RECESSIVE 10. Identifiers: Orphanet 140922, MedGen C1837342, MONDO:0012127, OMIM 608807.
Dilated cardiomyopathy 1G (CMD1G). Identifiers: Orphanet 154, MedGen C1858763, MONDO:0011400, OMIM 604145.

Submission:

Labcorp Genetics (formerly Invitae), Labcorp
Classification: Likely pathogenic for Dilated cardiomyopathy 1G; Autosomal recessive limb-girdle muscular dystrophy type 2J. Last evaluated: 2022-03-30. Review status: criteria provided, single submitter. Criteria: Invitae Variant Classification Sherloc (09022015). Collection method: clinical testing. Allele origin: germline.
Comment: This variant is located in the A band of TTN (PMID: 25589632). Truncating variants in this region are significantly overrepresented in patients affected with dilated cardiomyopathy (PMID: 25589632). Truncating variants in this region have also been reported in individuals affected with autosomal recessive centronuclear myopathy (PMID: 23975875). In summary, the currently available evidence indicates that the variant is pathogenic, but additional data are needed to prove that conclusively. Therefore, this variant has been classified as Likely Pathogenic. This variant has not been reported in the literature in individuals affected with TTN-related conditions. This variant is not present in population databases (gnomAD no frequency). This sequence change creates a premature translational stop signal (p.Gln25150*) in the TTN gene. While this is not anticipated to result in nonsense mediated decay, it is expected to create a truncated TTN protein.

Literature cited by the submitters: PubMed 25589632; PubMed 23975875.